The following is an entry in ClinVar:

ClinVar aggregate classification (germline): Uncertain significance. Review status: criteria provided, multiple submitters, no conflicts (2 of 4 stars). 2 submissions from 2 submitters: Uncertain significance (2). Last evaluated 2024-10-19.

Conditions:
Congenital disorder of glycosylation (CDG). Also called: Congenital disorders of glycosylation; Carbohydrate-deficient glycoprotein syndrome. Identifiers: Orphanet 137, MedGen C0282577, MONDO:0015286.

Allele frequency attached by ClinVar (database versions not stated): gnomAD exomes below 0.00001 and 0.00001; ExAC 0.00001; TOPMed 0.00001.
gnomAD v4.1: 7 of 1,614,220 alleles (0.00043%); highest among the groups gnomAD compares: African/African-American, 0.0013%; no homozygotes.

Submissions (2):

Ambry Genetics
Classification: Uncertain significance. Last evaluated: 2024-10-19. Review status: criteria provided, single submitter. Criteria: Ambry Variant Classification Scheme 2023. Collection method: clinical testing. Allele origin: germline.

Labcorp Genetics (formerly Invitae), Labcorp
Classification: Uncertain significance for Congenital disorder of glycosylation. Last evaluated: 2021-12-02. Review status: criteria provided, single submitter. Criteria: Invitae Variant Classification Sherloc (09022015). Collection method: clinical testing. Allele origin: germline.
Comment: This sequence change replaces histidine with arginine at codon 439 of the RPN2 protein (p.His439Arg). The histidine residue is highly conserved and there is a small physicochemical difference between histidine and arginine. This variant is present in population databases (rs774595023, gnomAD 0.007%). This variant has not been reported in the literature in individuals affected with RPN2-related conditions. Algorithms developed to predict the effect of missense changes on protein structure and function are either unavailable or do not agree on the potential impact of this missense change (SIFT: "Not Available"; PolyPhen-2: "Possibly Damaging"; Align-GVGD: "Not Available"). In summary, the available evidence is currently insufficient to determine the role of this variant in disease. Therefore, it has been classified as a Variant of Uncertain Significance.

NM_002951.5(RPN2):c.1316A>G (p.His439Arg)

Gene: RPN2 (ribophorin II; plus strand). Cytogenetic location: 20q11.23.
Variant type: single nucleotide variant.
Coding change: c.1316A>G on transcript NM_002951.5 (MANE Select); coding-DNA position 1316, A replaced by G.
Protein change: p.His439Arg; replaces histidine 439 with arginine.
Molecular consequence: missense variant.
Genome position (GRCh38, 1-based): chr20:37,228,566, A>G. VCF-style: chr20-37228566-A-G. GRCh37 (hg19) VCF-style: chr20-35856969-A-G.
Other names: c.1220A>G, p.His407Arg (NM_001135771.3); c.1316A>G, p.His439Arg (NM_001324299.2, NM_001324302.2, NM_001324303.2 and 1 more transcripts); c.1364A>G, p.His455Arg (NM_001324301.2, NM_001324305.2); c.845A>G, p.His282Arg (NM_001324306.2); c.1316A>G (NM_002951.3); short protein forms H282R, H439R, H455R, H407R.
Identifiers: ClinVar variation 1401050 (VCV001401050.7), dbSNP rs774595023, ClinGen allele CA9847152.